The following is an entry in ClinVar:

NM_058216.3(RAD51C):c.82G>C (p.Val28Leu)

Gene: RAD51C (RAD51 paralog C; plus strand). Cytogenetic location: 17q22.
Variant type: single nucleotide variant.
Coding change: c.82G>C on transcript NM_058216.3 (MANE Select); coding-DNA position 82, G replaced by C.
Protein change: p.Val28Leu; replaces valine 28 with leucine.
Molecular consequence: missense variant. On other transcripts: non-coding transcript variant (1).
Genome position (GRCh38, 1-based): chr17:58,692,725, G>C. VCF-style: chr17-58692725-G-C. GRCh37 (hg19) VCF-style: chr17-56770086-G-C.
Other names: c.82G>C, p.Val28Leu (NM_002876.4); short protein forms V28L.
Identifiers: ClinVar variation 482167 (VCV000482167.12), dbSNP rs1060502587, ClinGen allele CA400337090.

ClinVar aggregate classification (germline): Conflicting classifications of pathogenicity. Review status: criteria provided, conflicting classifications (1 of 4 stars). 3 submissions from 3 submitters: Uncertain significance (2); Likely benign (1). Last evaluated 2025-11-02.

Conditions:
Fanconi anemia complementation group O. Also called: RAD51C-Related Fanconi Anemia. Identifiers: Orphanet 84, MedGen C3150653, MONDO:0013248, OMIM 613390.
Hereditary cancer-predisposing syndrome. Also called: Hereditary neoplastic syndrome; Neoplastic Syndromes, Hereditary; Tumor predisposition; Hereditary Cancer Syndrome. Identifiers: Orphanet 140162, MedGen C0027672, MeSH D009386, MONDO:0015356.
Breast-ovarian cancer, familial, susceptibility to, 3. Also called: RAD51C-Related Breast/Ovarian Cancer. Identifiers: Orphanet 145, MedGen C3150659, MONDO:0013253, OMIM 613399.

gnomAD v4.1: 2 of 1,614,242 alleles (0.00012%); highest among the groups gnomAD compares: Non-Finnish European, 0.00017%; no homozygotes.

Submissions (3):

Labcorp Genetics (formerly Invitae), Labcorp
Classification: Uncertain significance for Fanconi anemia complementation group O. Last evaluated: 2025-11-02. Review status: criteria provided, single submitter. Criteria: Invitae Variant Classification Sherloc (09022015). Collection method: clinical testing. Allele origin: germline.
Comment: This sequence change replaces valine, which is neutral and non-polar, with leucine, which is neutral and non-polar, at codon 28 of the RAD51C protein (p.Val28Leu). This variant is not present in population databases (gnomAD no frequency). This variant has not been reported in the literature in individuals affected with RAD51C-related conditions. ClinVar contains an entry for this variant (Variation ID: 482167). Invitae Evidence Modeling of protein sequence and biophysical properties (such as structural, functional, and spatial information, amino acid conservation, physicochemical variation, residue mobility, and thermodynamic stability) indicates that this missense variant is not expected to disrupt RAD51C protein function with a negative predictive value of 80%. In summary, the available evidence is currently insufficient to determine the role of this variant in disease. Therefore, it has been classified as a Variant of Uncertain Significance.

Ambry Genetics
Classification: Likely benign for Hereditary cancer-predisposing syndrome. Last evaluated: 2024-02-26. Review status: criteria provided, single submitter. Criteria: Ambry Variant Classification Scheme 2023. Collection method: clinical testing. Allele origin: germline.

Baylor Genetics
Classification: Uncertain significance for Breast-ovarian cancer, familial, susceptibility to, 3. Last evaluated: 2023-11-24. Review status: criteria provided, single submitter. Criteria: ACMG Guidelines, 2015. Collection method: clinical testing. Allele origin: unknown.